The following is an entry in ClinVar:

NM_002528.7(NTHL1):c.649G>T (p.Ala217Ser)

Gene: NTHL1 (nth like DNA glycosylase 1; minus strand). Cytogenetic location: 16p13.3.
Variant type: single nucleotide variant.
Coding change: c.649G>T on transcript NM_002528.7 (MANE Select); coding-DNA position 649, G replaced by T.
Protein change: p.Ala217Ser; replaces alanine 217 with serine.
Molecular consequence: missense variant.
Genome position (GRCh38, 1-based): chr16:2,043,603, C>A on the plus strand (G>T on the coding strand, the complement: NTHL1 is on the minus strand). VCF-style: chr16-2043603-C-A. GRCh37 (hg19) VCF-style: chr16-2093604-C-A.
Other names: c.478G>T, p.Ala160Ser (NM_001318193.2); c.319G>T, p.Ala107Ser (NM_001318194.2); short protein forms A217S, A160S, A107S.
Identifiers: ClinVar variation 5025895 (VCV005025895.1).

ClinVar aggregate classification (germline): Uncertain significance (1 of 4 stars; one submission).

Conditions:
Hereditary cancer-predisposing syndrome. Also called: Neoplastic Syndromes, Hereditary; Tumor predisposition; Hereditary neoplastic syndrome; Hereditary Cancer Syndrome. Identifiers: Orphanet 140162, MedGen C0027672, MeSH D009386, MONDO:0015356.

Submission:

Ambry Genetics
Classification: Uncertain significance for Hereditary cancer-predisposing syndrome. Last evaluated: 2026-07-07. Review status: criteria provided, single submitter. Criteria: Ambry Variant Classification Scheme 2023. Collection method: clinical testing. Allele origin: germline.
Comment: The p.A225S variant (also known as c.673G>T), located in coding exon 4 of the NTHL1 gene, results from a G to T substitution at nucleotide position 673. The alanine at codon 225 is replaced by serine, an amino acid with similar properties. This amino acid position is conserved. In addition, the in silico prediction for this alteration is inconclusive. Based on the available evidence, the clinical significance of this variant remains unclear.